The following is an entry in ClinVar:

NM_001286.5(CLCN6):c.119A>C (p.Asp40Ala)

Gene: CLCN6 (chloride voltage-gated channel 6; plus strand). Cytogenetic location: 1p36.22.
Variant type: single nucleotide variant.
Coding change: c.119A>C on transcript NM_001286.5 (MANE Select); coding-DNA position 119, A replaced by C.
Protein change: p.Asp40Ala; replaces aspartic acid 40 with alanine.
Molecular consequence: missense variant. On other transcripts: non-coding transcript variant (1).
Genome position (GRCh38, 1-based): chr1:11,807,162, A>C. VCF-style: chr1-11807162-A-C. GRCh37 (hg19) VCF-style: chr1-11867219-A-C.
Other names: c.119A>C, p.Asp40Ala (NM_001256959.2); short protein forms D40A.
Identifiers: ClinVar variation 3345115 (VCV003345115.1).

ClinVar aggregate classification (germline): Uncertain significance (0 of 4 stars; one submission).

Conditions:
CLCN6-related disorder. Also called: CLCN6-related condition.

Submission:

PreventionGenetics, part of Exact Sciences
Classification: Uncertain significance for CLCN6-related condition. Last evaluated: 2024-05-05. Review status: no assertion criteria provided. Collection method: clinical testing. Allele origin: germline.
Comment: The CLCN6 c.119A>C variant is predicted to result in the amino acid substitution p.Asp40Ala. To our knowledge, this variant has not been reported in the literature or in a large population database, indicating this variant is rare. A different substitution affecting the same amino acid (p.Asp40Glu) has been reported to have arisen de novo in a cohort of patients with autism spectrum disorder (Supplementary Table 20, Fu et al. 2022. PubMed ID: 35982160). At this time, the clinical significance of this variant is uncertain due to the absence of conclusive functional and genetic evidence.